The following is an entry in ClinVar:

NM_005431.2(XRCC2):c.492A>T (p.Glu164Asp)

Gene: XRCC2 (X-ray repair cross complementing 2; minus strand). Cytogenetic location: 7q36.1.
Variant type: single nucleotide variant.
Coding change: c.492A>T on transcript NM_005431.2 (MANE Select); coding-DNA position 492, A replaced by T.
Protein change: p.Glu164Asp; replaces glutamic acid 164 with aspartic acid.
Molecular consequence: missense variant.
Genome position (GRCh38, 1-based): chr7:152,648,993, T>A on the plus strand (A>T on the coding strand, the complement: XRCC2 is on the minus strand). VCF-style: chr7-152648993-T-A. GRCh37 (hg19) VCF-style: chr7-152346078-T-A.
Other names: short protein forms E164D.
Identifiers: ClinVar variation 4202871 (VCV004202871.1).

ClinVar aggregate classification (germline): Uncertain significance (1 of 4 stars; one submission).

Conditions:
Hereditary cancer-predisposing syndrome. Also called: Neoplastic Syndromes, Hereditary; Tumor predisposition; Hereditary Cancer Syndrome; Hereditary neoplastic syndrome. Identifiers: Orphanet 140162, MedGen C0027672, MeSH D009386, MONDO:0015356.

Submission:

Ambry Genetics
Classification: Uncertain significance for Hereditary cancer-predisposing syndrome. Last evaluated: 2025-08-24. Review status: criteria provided, single submitter. Criteria: Ambry Variant Classification Scheme 2023. Collection method: clinical testing. Allele origin: germline.
Comment: The p.E164D variant (also known as c.492A>T), located in coding exon 3 of the XRCC2 gene, results from an A to T substitution at nucleotide position 492. The glutamic acid at codon 164 is replaced by aspartic acid, an amino acid with highly similar properties. This amino acid position is conserved. In addition, this alteration is predicted to be tolerated by in silico analysis. Based on the available evidence, the clinical significance of this variant remains unclear.